The following is an entry in ClinVar:

NM_000059.4(BRCA2):c.8411C>T (p.Pro2804Leu)

Gene: BRCA2 (BRCA2 DNA repair associated; plus strand). Cytogenetic location: 13q13.1.
Variant type: single nucleotide variant.
Coding change: c.8411C>T on transcript NM_000059.4 (MANE Select); coding-DNA position 8411, C replaced by T.
Protein change: p.Pro2804Leu; replaces proline 2804 with leucine.
Molecular consequence: missense variant.
Genome position (GRCh38, 1-based): chr13:32,370,481, C>T. VCF-style: chr13-32370481-C-T. GRCh37 (hg19) VCF-style: chr13-32944618-C-T.
Other names: short protein forms P2804L.
Identifiers: ClinVar variation 409555 (VCV000409555.19), dbSNP rs876658705, ClinGen allele CA16613964.

ClinVar aggregate classification (germline): Conflicting classifications of pathogenicity. Review status: criteria provided, conflicting classifications (1 of 4 stars). 4 submissions from 4 submitters: Uncertain significance (3); Likely benign (1). Last evaluated 2025-05-08.

Conditions:
Hereditary breast ovarian cancer syndrome. Also called: Hereditary breast and ovarian cancer; Hereditary breast and/or ovarian cancer syndrome; BRCA1- and BRCA2-Associated Hereditary Breast and Ovarian Cancer; Hereditary breast and ovarian cancer syndrome; Hereditary breast and ovarian cancer syndrome (HBOC); Breast and ovarian cancer. Identifiers: Orphanet 145, MedGen C0677776, MeSH D061325, MONDO:0003582. Disease mechanism: loss of function.
Hereditary cancer-predisposing syndrome. Also called: Tumor predisposition; Hereditary Cancer Syndrome; Hereditary neoplastic syndrome; Neoplastic Syndromes, Hereditary. Identifiers: Orphanet 140162, MedGen C0027672, MeSH D009386, MONDO:0015356.

Submissions (4):

Ambry Genetics
Classification: Likely benign for Hereditary cancer-predisposing syndrome. Last evaluated: 2025-05-08. Review status: criteria provided, single submitter. Criteria: Ambry Variant Classification Scheme 2023. Collection method: clinical testing. Allele origin: germline.

Institute for Clinical Genetics, University Hospital TU Dresden, University Hospital TU Dresden
Classification: Uncertain significance. Last evaluated: 2021-11-03. Review status: criteria provided, single submitter. Criteria: ACMG Guidelines, 2015. Collection method: clinical testing. Allele origin: germline.

Labcorp Genetics (formerly Invitae), Labcorp
Classification: Uncertain significance for Hereditary breast ovarian cancer syndrome. Last evaluated: 2021-06-23. Review status: criteria provided, single submitter. Criteria: Invitae Variant Classification Sherloc (09022015). Collection method: clinical testing. Allele origin: germline.
Comment: In summary, this variant is a novel missense change with uncertain impact on protein function. It has been classified as a Variant of Uncertain Significance. Algorithms developed to predict the effect of missense changes on protein structure and function do not agree on the potential impact of this missense change (SIFT: "Deleterious"; PolyPhen-2: "Possibly Damaging"; Align-GVGD: "Class C0"). This variant is not present in population databases (ExAC no frequency) and has not been reported in the literature in individuals with a BRCA2-related disease. This sequence change replaces proline with leucine at codon 2804 of the BRCA2 protein (p.Pro2804Leu). The proline residue is highly conserved and there is a moderate physicochemical difference between proline and leucine.

Color Diagnostics, LLC DBA Color Health
Classification: Uncertain significance for Hereditary cancer-predisposing syndrome. Last evaluated: 2019-05-05. Review status: criteria provided, single submitter. Criteria: ACMG Guidelines, 2015. Collection method: clinical testing. Allele origin: germline.